The following is an entry in ClinVar:

ClinVar aggregate classification (germline): Conflicting classifications of pathogenicity. Review status: criteria provided, conflicting classifications (1 of 4 stars). 4 submissions from 4 submitters: Uncertain significance (3); Benign (1). Last evaluated 2025-12-03.

Conditions:
Malignant hyperthermia, susceptibility to, 5 (MHS5). Also called: CACNA1S-Related Malignant Hyperthermia Susceptibility. Identifiers: Orphanet 423, MedGen C1866077, MONDO:0011163, OMIM 601887.
Hypokalemic periodic paralysis, type 1. Also called: HypoPP; Hypokalemic Periodic Paralysis Type 1 (AD). Identifiers: Orphanet 681, MedGen C3714580, MONDO:0042979, OMIM 170400.
Thyrotoxic periodic paralysis, susceptibility to, 1 (TTPP1). Identifiers: Orphanet 79102, MedGen C2749982, MONDO:0008570, OMIM 188580.

Allele frequency attached by ClinVar (database versions not stated): TOPMed 0.00005.
gnomAD v4.1: 39 of 1,608,584 alleles (0.0024%); highest among the groups gnomAD compares: Middle Eastern, 0.017%; no homozygotes.

Submissions (4):

Labcorp Genetics (formerly Invitae), Labcorp
Classification: Benign for Hypokalemic periodic paralysis, type 1; Malignant hyperthermia, susceptibility to, 5. Last evaluated: 2025-12-03. Review status: criteria provided, single submitter. Criteria: Invitae Variant Classification Sherloc (09022015). Collection method: clinical testing. Allele origin: germline.

Color Diagnostics, LLC DBA Color Health
Classification: Uncertain significance for Malignant hyperthermia, susceptibility to, 5. Last evaluated: 2025-06-03. Review status: criteria provided, single submitter. Criteria: ACMG Guidelines, 2015. Collection method: clinical testing. Allele origin: germline.
Comment: This missense variant replaces arginine with histidine at codon 1229 of the CACNA1S protein. Computational prediction is inconclusive regarding the impact of this variant on protein structure and function. To our knowledge, functional studies have not been reported for this variant. This variant has not been reported in individuals affected with CACNA1S-related disorders in the literature. This variant has been identified in 6/281874 chromosomes in the general population by the Genome Aggregation Database (gnomAD). The available evidence is insufficient to determine the role of this variant in disease conclusively. Therefore, this variant is classified as a Variant of Uncertain Significance.

Fulgent Genetics
Classification: Uncertain significance for Hypokalemic periodic paralysis, type 1; Thyrotoxic periodic paralysis, susceptibility to, 1; Malignant hyperthermia, susceptibility to, 5. Last evaluated: 2022-05-28. Review status: criteria provided, single submitter. Criteria: ACMG Guidelines, 2015. Collection method: clinical testing. Allele origin: unknown.

GeneDx
Classification: Uncertain significance. Last evaluated: 2019-10-15. Review status: criteria provided, single submitter. Criteria: GeneDx Variant Classification Process June 2021. Collection method: clinical testing. Allele origin: germline. Affected: yes.
Comment: Has not been previously published as pathogenic or benign to our knowledge; In silico analysis, which includes protein predictors and evolutionary conservation, supports a deleterious effect

NM_000069.3(CACNA1S):c.3686G>A (p.Arg1229His)

Gene: CACNA1S (calcium voltage-gated channel subunit alpha1 S; minus strand). Cytogenetic location: 1q32.1.
Variant type: single nucleotide variant.
Coding change: c.3686G>A on transcript NM_000069.3 (MANE Select); coding-DNA position 3686, G replaced by A.
Protein change: p.Arg1229His; replaces arginine 1229 with histidine.
Molecular consequence: missense variant.
Genome position (GRCh38, 1-based): chr1:201,053,568, C>T on the plus strand (G>A on the coding strand, the complement: CACNA1S is on the minus strand). VCF-style: chr1-201053568-C-T. GRCh37 (hg19) VCF-style: chr1-201022696-C-T.
Other names: short protein forms R1229H.
Identifiers: ClinVar variation 656802 (VCV000656802.12), dbSNP rs774416016, ClinGen allele CA082753.
Genomic context (GRCh38, chr1:201,053,568, plus strand): 5'-CGGCTCAGCAGCTTGATCAGCCTCATGACACGGAACAGGCGGAAGAAGGCGCTGGAGATG[C>T]GGGCACTCTCATCTGGGTCCTGCGGGGCAGCAGCCCCAGAGGTCAGTCTGGGGGCAGAAC-3'
Protein context (NP_000060.2, residues 1219-1239): CGNVDPDESA[Arg1229His]ISSAFFRLFR